The following is an entry in ClinVar:

NM_001111125.3(IQSEC2):c.1630_1648del (p.Glu544fs)

Gene: IQSEC2 (IQ motif and Sec7 domain ArfGEF 2; minus strand). Cytogenetic location: Xp11.22.
Variant type: Deletion.
Coding change: c.1630_1648del on transcript NM_001111125.3 (MANE Select); coding-DNA positions 1630 to 1648, 19 bases deleted (GAGTTCTGGGCGCCAGCCC).
Protein change: p.Glu544fs; shifts the reading frame from glutamic acid 544.
Molecular consequence: frameshift variant.
Genome position (GRCh38, 1-based): chrX:53,250,928-53,250,946, GGGCTGGCGCCCAGAACTC deleted on the plus strand (GAGTTCTGGGCGCCAGCCC on the coding strand, the reverse complement: IQSEC2 is on the minus strand); deleting any 19 consecutive bases within chrX:53,250,928-53,250,950 gives the same sequence; the c. name uses the placement nearest the transcript's 3' end. VCF-style (leftmost placement, unchanged base first): chrX-53250927-GGGGCTGGCGCCCAGAACTC-G. GRCh37 (hg19) VCF-style: chrX-53280109-GGGGCTGGCGCCCAGAACTC-G.
Other names: c.1630_1648del, p.Glu544fs (NM_001410736.1); c.1015_1033del, p.Glu339fs (NM_015075.2); short protein forms E339fs, E544fs.
Identifiers: ClinVar variation 3775494 (VCV003775494.1).

ClinVar aggregate classification (germline): Likely pathogenic (1 of 4 stars; one submission).

Conditions:
Intellectual developmental disorder, X-linked 1. Also called: Atkin Flaitz Patil Smith syndrome; MENTAL RETARDATION, X-LINKED 18; MENTAL RETARDATION, X-LINKED 78; Intellectual disability, X-linked 1. Identifiers: Orphanet 777, MedGen C2931498, MONDO:0010656, OMIM 309530.

Submission:

3billion
Classification: Likely pathogenic for Intellectual developmental disorder, X-linked 1. Last evaluated: 2023-12-07. Review status: criteria provided, single submitter. Criteria: ACMG Guidelines, 2015. Collection method: clinical testing. Allele origin: germline. Affected: yes.
Comment: The variant is not observed in the gnomAD v2.1.1 dataset. Predicted Consequence/Location: Frameshift: predicted to result in a loss or disruption of normal protein function through nonsense-mediated decay (NMD) or protein truncation. Multiple pathogenic variants are reported downstream of the variant. Therefore, this variant is classified as Likely pathogenic according to the recommendation of ACMG/AMP guideline.